The following is an entry in ClinVar:

ClinVar aggregate classification (germline): Uncertain significance (1 of 4 stars; one submission).

Allele frequency attached by ClinVar (database versions not stated): gnomAD 0.00003; gnomAD exomes 0.00003; TOPMed 0.00003; ExAC 0.00006; ESP Exome Variant Server 0.00015.
gnomAD v4.1: 54 of 1,612,328 alleles (0.0033%); highest among the groups gnomAD compares: Non-Finnish European, 0.00051%; no homozygotes.

Submission:

Labcorp Genetics (formerly Invitae), Labcorp
Classification: Uncertain significance. Last evaluated: 2022-06-23. Review status: criteria provided, single submitter. Criteria: Invitae Variant Classification Sherloc (09022015). Collection method: clinical testing. Allele origin: germline.
Comment: This sequence change replaces cysteine, which is neutral and slightly polar, with tyrosine, which is neutral and polar, at codon 1565 of the DMXL2 protein (p.Cys1565Tyr). This variant is present in population databases (rs372546062, gnomAD 0.2%). This variant has not been reported in the literature in individuals affected with DMXL2-related conditions. Algorithms developed to predict the effect of missense changes on protein structure and function are either unavailable or do not agree on the potential impact of this missense change (SIFT: "Deleterious"; PolyPhen-2: "Probably Damaging"; Align-GVGD: "Class C15"). In summary, the available evidence is currently insufficient to determine the role of this variant in disease. Therefore, it has been classified as a Variant of Uncertain Significance.

NM_001378457.1(DMXL2):c.4694G>A (p.Cys1565Tyr)

Gene: DMXL2 (Dmx like 2; minus strand). Cytogenetic location: 15q21.2.
Variant type: single nucleotide variant.
Coding change: c.4694G>A on transcript NM_001378457.1 (MANE Select); coding-DNA position 4694, G replaced by A.
Protein change: p.Cys1565Tyr; replaces cysteine 1565 with tyrosine.
Molecular consequence: missense variant. On other transcripts: non-coding transcript variant (2), intron variant (1).
Genome position (GRCh38, 1-based): chr15:51,495,113, C>T on the plus strand (G>A on the coding strand, the complement: DMXL2 is on the minus strand). VCF-style: chr15-51495113-C-T. GRCh37 (hg19) VCF-style: chr15-51787310-C-T.
Other names: c.4694G>A, p.Cys1565Tyr (NM_001174116.3, NM_001378458.1, NM_001378459.1 and 4 more transcripts); c.2786G>A, p.Cys929Tyr (NM_001174117.3); c.4454G>A, p.Cys1485Tyr (NM_001378464.1); c.2765-3366G>A (NM_001378460.1); short protein forms C1485Y, C929Y, C1565Y.
Identifiers: ClinVar variation 2185653 (VCV002185653.1), dbSNP rs372546062, ClinGen allele CA7561969.